The following is an entry in ClinVar:

NM_004380.3(CREBBP):c.1477A>T (p.Met493Leu)

Gene: CREBBP (CREB binding lysine acetyltransferase; minus strand). Cytogenetic location: 16p13.3.
Variant type: single nucleotide variant.
Coding change: c.1477A>T on transcript NM_004380.3 (MANE Select); coding-DNA position 1477, A replaced by T.
Protein change: p.Met493Leu; replaces methionine 493 with leucine.
Molecular consequence: missense variant.
Genome position (GRCh38, 1-based): chr16:3,782,780, T>A on the plus strand (A>T on the coding strand, the complement: CREBBP is on the minus strand). VCF-style: chr16-3782780-T-A. GRCh37 (hg19) VCF-style: chr16-3832781-T-A.
Other names: c.1363A>T, p.Met455Leu (NM_001079846.1); short protein forms M455L, M493L.
Identifiers: ClinVar variation 4681094 (VCV004681094.1).

ClinVar aggregate classification (germline): Uncertain significance (1 of 4 stars; one submission).

Submission:

GeneDx
Classification: Uncertain significance. Last evaluated: 2025-07-03. Review status: criteria provided, single submitter. Criteria: GeneDx Variant Classification Process June 2021. Collection method: clinical testing. Allele origin: germline. Affected: yes.
Comment: Not observed at significant frequency in large population cohorts (gnomAD); In silico analysis suggests that this missense variant does not alter protein structure/function; Has not been previously published as pathogenic or benign to our knowledge